The following is an entry in ClinVar:

NM_022773.4(LMF1):c.1498C>T (p.His500Tyr)

Gene: LMF1 (lipase maturation factor 1; minus strand). Cytogenetic location: 16p13.3.
Variant type: single nucleotide variant.
Coding change: c.1498C>T on transcript NM_022773.4 (MANE Select); coding-DNA position 1498, C replaced by T.
Protein change: p.His500Tyr; replaces histidine 500 with tyrosine.
Molecular consequence: missense variant. On other transcripts: non-coding transcript variant (1).
Genome position (GRCh38, 1-based): chr16:868,975, G>A on the plus strand (C>T on the coding strand, the complement: LMF1 is on the minus strand). VCF-style: chr16-868975-G-A. GRCh37 (hg19) VCF-style: chr16-918975-G-A.
Other names: c.847C>T, p.His283Tyr (NM_001352017.2, NM_001352021.2); c.1099C>T, p.His367Tyr (NM_001352018.2); c.1171C>T, p.His391Tyr (NM_001352019.2); c.1418C>T, p.Thr473Ile (NM_001352020.1); short protein forms H367Y, H391Y, H500Y, H283Y, T473I.
Identifiers: ClinVar variation 5023600 (VCV005023600.1).
Genomic context (GRCh38, chr16:868,975, plus strand): 5'-CCTGAGCAGCGGCAGGGAGGGCATCCTACCTGGGCGGGGGCCTGCCCGCGAAGGGGTTGT[G>A]TGCCAGCAGGGACAAGGCCTCGGCGTCGCTGGCCAGGAGCTTGCCAGCCAGGTGGATGAT-3'
Protein context (NP_073610.2, residues 490-510): SDAEALSLLA[His500Tyr]NPFAGRPPPR

ClinVar aggregate classification (germline): Uncertain significance (1 of 4 stars; one submission).

Conditions:
Cardiovascular phenotype. Identifiers: MedGen CN230736.

gnomAD v4.1: 1 of 1,612,180 alleles (0.000062%); highest among the groups gnomAD compares: Non-Finnish European, 0.000085%; no homozygotes.

Submission:

Ambry Genetics
Classification: Uncertain significance for Cardiovascular phenotype. Last evaluated: 2026-07-10. Review status: criteria provided, single submitter. Criteria: Ambry Variant Classification Scheme 2023. Collection method: clinical testing. Allele origin: germline.
Comment: The p.H500Y variant (also known as c.1498C>T), located in coding exon 10 of the LMF1 gene, results from a C to T substitution at nucleotide position 1498. The histidine at codon 500 is replaced by tyrosine, an amino acid with similar properties. This amino acid position is conserved. In addition, this alteration is predicted to be tolerated by in silico analysis. Based on the available evidence, the clinical significance of this variant remains unclear.